The following is an entry in ClinVar:

NM_198253.3(TERT):c.552C>T (p.Ala184=)

Gene: TERT (telomerase reverse transcriptase; minus strand). Cytogenetic location: 5p15.33.
Variant type: single nucleotide variant.
Coding change: c.552C>T on transcript NM_198253.3 (MANE Select); coding-DNA position 552, C replaced by T.
Protein change: p.Ala184=; no amino-acid change (alanine 184 retained).
Molecular consequence: synonymous variant. On other transcripts: non-coding transcript variant (2).
Genome position (GRCh38, 1-based): chr5:1,294,334, G>A on the plus strand (C>T on the coding strand, the complement: TERT is on the minus strand). VCF-style: chr5-1294334-G-A. GRCh37 (hg19) VCF-style: chr5-1294449-G-A.
Other names: c.552C>T, p.Ala184= (NM_001193376.3).
Identifiers: ClinVar variation 1579212 (VCV001579212.26), dbSNP rs1751235353, ClinGen allele CA443240143.

ClinVar aggregate classification (germline): Likely benign. Review status: criteria provided, multiple submitters, no conflicts (2 of 4 stars). 3 submissions from 3 submitters: Likely benign (3). Last evaluated 2025-04-01.

Conditions:
Dyskeratosis congenita. Identifiers: Orphanet 1775, MedGen C0265965, MONDO:0015780.
Dyskeratosis congenita, autosomal dominant 2. Identifiers: MedGen C3151443, MONDO:0013521, OMIM 613989.
Idiopathic Pulmonary Fibrosis. Also called: Idiopathic fibrosing alveolitis, chronic form; idiopathic fibrosing alveolitis. Identifiers: Orphanet 2032, MedGen C1800706, MeSH D054990, MONDO:0800504.

Allele frequency attached by ClinVar (database versions not stated): TOPMed below 0.00001; gnomAD 0.00001.

Submissions (3):

CeGaT Center for Human Genetics Tuebingen
Classification: Likely benign. Last evaluated: 2025-04-01. Review status: criteria provided, single submitter. Criteria: CeGaT Center For Human Genetics Tuebingen Variant Classification Criteria Version 2. Collection method: clinical testing. Allele origin: germline. Affected: yes. Observed: 2 variant alleles.
Comment: TERT: BP4, BP7

Labcorp Genetics (formerly Invitae), Labcorp
Classification: Likely benign for Dyskeratosis congenita, autosomal dominant 2; Idiopathic Pulmonary Fibrosis. Last evaluated: 2021-05-04. Review status: criteria provided, single submitter. Criteria: Invitae Variant Classification Sherloc (09022015). Collection method: clinical testing. Allele origin: germline.

Ambry Genetics
Classification: Likely benign for Dyskeratosis congenita. Last evaluated: 2020-02-13. Review status: criteria provided, single submitter. Criteria: Ambry Variant Classification Scheme 2023. Collection method: clinical testing. Allele origin: germline.